The following is an entry in ClinVar:

ClinVar aggregate classification (germline): Benign/Likely benign. Review status: criteria provided, multiple submitters, no conflicts (2 of 4 stars). 3 submissions from 3 submitters: Benign (2); Likely benign (1). Last evaluated 2024-08-01.

Allele frequency attached by ClinVar (database versions not stated): 1000 Genomes Project 30x 0.00156; 1000 Genomes Project 0.00160; gnomAD 0.00477 and 0.00485; ExAC 0.00493; gnomAD exomes 0.00536 and 0.00647; TOPMed 0.00538; ESP Exome Variant Server 0.00561.
gnomAD v4.1: 10,227 of 1,614,008 alleles (0.63%); highest among the groups gnomAD compares: Non-Finnish European, 0.73%; 49 homozygotes.

Submissions (3):

CeGaT Center for Human Genetics Tuebingen
Classification: Likely benign. Last evaluated: 2024-08-01. Review status: criteria provided, single submitter. Criteria: CeGaT Center For Human Genetics Tuebingen Variant Classification Criteria Version 2. Collection method: clinical testing. Allele origin: germline. Affected: yes. Observed: 4 variant alleles.
Comment: CSNK1D: BP4, BP7, BS2

Labcorp Genetics (formerly Invitae), Labcorp
Classification: Benign. Last evaluated: 2018-06-23. Review status: criteria provided, single submitter. Criteria: Invitae Variant Classification Sherloc (09022015). Collection method: clinical testing. Allele origin: germline.

Breakthrough Genomics
Classification: Benign. Review status: criteria provided, single submitter. Criteria: ACMG Guidelines, 2015. Collection method: not provided. Allele origin: germline. Inheritance: Autosomal dominant inheritance. Affected: yes.

NM_001893.6(CSNK1D):c.213C>T (p.Cys71=)

Gene: CSNK1D (casein kinase 1 delta; minus strand). Cytogenetic location: 17q25.3.
Variant type: single nucleotide variant.
Coding change: c.213C>T on transcript NM_001893.6 (MANE Select); coding-DNA position 213, C replaced by T.
Protein change: p.Cys71=; no amino-acid change (cysteine 71 retained).
Molecular consequence: synonymous variant. On other transcripts: non-coding transcript variant (1).
Genome position (GRCh38, 1-based): chr17:82,255,552, G>A on the plus strand (C>T on the coding strand, the complement: CSNK1D is on the minus strand). VCF-style: chr17-82255552-G-A. GRCh37 (hg19) VCF-style: chr17-80213428-G-A.
Other names: c.213C>T, p.Cys71= (NM_001363749.2, NM_139062.4).
Identifiers: ClinVar variation 773768 (VCV000773768.28), dbSNP rs11552086, ClinGen allele CA8855713.